The following is an entry in ClinVar:

NM_001164508.2(NEB):c.12166del (p.Thr4056fs)

Gene: NEB (nebulin; minus strand). Cytogenetic location: 2q23.3.
Variant type: Deletion.
Coding change: c.12166del on transcript NM_001164508.2 (MANE Select); coding-DNA position 12166, one base deleted (A; older notation c.12166delA).
Protein change: p.Thr4056fs; shifts the reading frame from threonine 4056.
Molecular consequence: frameshift variant.
Genome position (GRCh38, 1-based): chr2:151,609,973, T deleted on the plus strand (A on the coding strand, the reverse complement: NEB is on the minus strand); the first of 4 consecutive T bases (chr2:151,609,973-151,609,976); deleting any one gives the same sequence. VCF-style (leftmost placement, unchanged base first): chr2-151609972-GT-G. GRCh37 (hg19) VCF-style: chr2-152466486-GT-G.
Other names: NM_001164508.2:c.12166del; c.12166del, p.Thr4056fs (NM_001164507.2, NM_001271208.2); c.11437del, p.Thr3813fs (NM_004543.5); short protein forms T4056fs, T3813fs.
Identifiers: ClinVar variation 2982188 (VCV002982188.4), dbSNP rs1389657207, ClinGen allele CA537030271.

ClinVar aggregate classification (germline): Pathogenic/Likely pathogenic. Review status: criteria provided, multiple submitters, no conflicts (2 of 4 stars). 2 submissions from 2 submitters: Pathogenic (1); Likely pathogenic (1). Last evaluated 2025-03-11.

Conditions:
Nemaline myopathy. Also called: Myopathies, Nemaline. Identifiers: Orphanet 607, MedGen C0206157, MONDO:0018958.
Nemaline myopathy 2 (NEM2). Also called: Nemaline myopathy 2, autosomal recessive. Identifiers: MedGen C1850569, MONDO:0009725, OMIM 256030.

Submissions (2):

Broad Center for Mendelian Genomics, Broad Institute of MIT and Harvard
Classification: Likely pathogenic for Nemaline myopathy. Last evaluated: 2025-03-11. Review status: criteria provided, single submitter. Criteria: ACMG Guidelines, 2015. Collection method: curation. Allele origin: germline. Inheritance: Autosomal recessive inheritance.
Comment: The p.Thr4056ProfsTer10 variant in NEB has been reported in one individual with nemaline myopathy (PMID: 30919572), and has been identified in 0.01% (1/91086) of South Asian chromosomes by the Genome Aggregation Database (gnomAD; dbSNP ID: rs1389657207). Although this variant has been seen in the general population in a heterozygous state, its frequency is not high enough to rule out a pathogenic role. This variant is predicted to cause a frameshift, which alters the protein‚Äôs amino acid sequence beginning at position 4056 and leads to a premature termination codon 10 amino acids downstream. This alteration is then predicted to lead to a truncated or absent protein. Loss of function of the NEB gene is an established disease mechanism in autosomal recessive nemaline myopathy. In summary, although additional studies are required to fully establish its clinical significance, this variant is likely pathogenic for autosomal recessive nemaline myopathy. ACMG/AMP Criteria applied: PVS1, PM2_supporting (Richards 2015).

Labcorp Genetics (formerly Invitae), Labcorp
Classification: Pathogenic for Nemaline myopathy 2. Last evaluated: 2023-04-15. Review status: criteria provided, single submitter. Criteria: Invitae Variant Classification Sherloc (09022015). Collection method: clinical testing. Allele origin: germline.
Comment: For these reasons, this variant has been classified as Pathogenic. This variant is also known as c.11437delA (p.Thr3813Profs*10). This sequence change creates a premature translational stop signal (p.Thr4056Profs*10) in the NEB gene. It is expected to result in an absent or disrupted protein product. Loss-of-function variants in NEB are known to be pathogenic (PMID: 25205138). This variant is present in population databases (no rsID available, gnomAD 0.003%). This premature translational stop signal has been observed in individual(s) with nemaline myopathy (PMID: 30919572).

Literature cited by the submitters: PubMed 25205138 (cited by Labcorp Genetics (formerly Invitae), Labcorp); PubMed 30919572 (cited by Labcorp Genetics (formerly Invitae), Labcorp).